The following is an entry in ClinVar:

ClinVar aggregate classification (germline): Benign/Likely benign. Review status: criteria provided, multiple submitters, no conflicts (2 of 4 stars). 8 submissions from 8 submitters: Benign (5); Likely benign (2). 1 of the submissions does not count toward it. Last evaluated 2026-05-11.

Conditions:
GLI2-related disorder. Also called: GLI2-related condition; GLI2-related disorders.
Holoprosencephaly 9 (HPE9). Also called: HOLOPROSENCEPHALY WITH MICROPHTHALMIA AND FIRST BRANCHIAL ARCH ANOMALIES; PITUITARY ANOMALIES WITH HOLOPROSENCEPHALY-LIKE FEATURES. Identifiers: Orphanet 2162, MedGen C1835819, MONDO:0012563, OMIM 610829.
Postaxial polydactyly-anterior pituitary anomalies-facial dysmorphism syndrome. Also called: Culler-Jones syndrome. Identifiers: Orphanet 420584, MedGen C4014479, MONDO:0014369, OMIM 615849.

Allele frequency attached by ClinVar (database versions not stated): gnomAD exomes 0.00124; ExAC 0.00145; gnomAD 0.00480 and 0.00522; ESP Exome Variant Server 0.00489; 1000 Genomes Project 0.00499; 1000 Genomes Project 30x 0.00515; TOPMed 0.00541.
gnomAD v4.1: 1,391 of 1,612,168 alleles (0.086%); highest among the groups gnomAD compares: African/African-American, 1.7%; 19 homozygotes.

Submissions (8):

Women's Health and Genetics/Laboratory Corporation of America, LabCorp
Classification: Likely benign. Last evaluated: 2026-05-11. Review status: criteria provided, single submitter. Criteria: LabCorp Variant Classification Summary - May 2015. Collection method: clinical testing. Allele origin: germline.

Labcorp Genetics (formerly Invitae), Labcorp
Classification: Benign for Postaxial polydactyly-anterior pituitary anomalies-facial dysmorphism syndrome; Holoprosencephaly 9. Last evaluated: 2025-12-21. Review status: criteria provided, single submitter. Criteria: Invitae Variant Classification Sherloc (09022015). Collection method: clinical testing. Allele origin: germline.

CeGaT Center for Human Genetics Tuebingen
Classification: Benign. Last evaluated: 2025-11-01. Review status: criteria provided, single submitter. Criteria: CeGaT Center For Human Genetics Tuebingen Variant Classification Criteria Version 2. Collection method: clinical testing. Allele origin: germline. Affected: yes. Observed: 1 variant allele.
Comment: GLI2: BP4, BS1, BS2

ARUP Laboratories, Molecular Genetics and Genomics, ARUP Laboratories
Classification: Benign. Last evaluated: 2019-02-05. Review status: criteria provided, single submitter. Criteria: ARUP Molecular Germline Variant Investigation Process. Collection method: clinical testing. Allele origin: germline.

Illumina Laboratory Services, Illumina
Classification: Benign for Holoprosencephaly 9. Last evaluated: 2018-01-12. Review status: criteria provided, single submitter. Criteria: ICSL Variant Classification Criteria 13 December 2019. Collection method: clinical testing. Allele origin: germline.
Comment: This variant was observed in the ICSL laboratory as part of a predisposition screen in an ostensibly healthy population. It had not been previously curated by ICSL or reported in the Human Gene Mutation Database (HGMD: prior to June 1st, 2018), and was therefore a candidate for classification through an automated scoring system. Utilizing variant allele frequency, disease prevalence and penetrance estimates, and inheritance mode, an automated score was calculated to assess if this variant is too frequent to cause the disease. Based on the score and internal cut-off values, a variant classified as benign is not then subjected to further curation. The score for this variant resulted in a classification of benign for this disease.

Center for Pediatric Genomic Medicine, Children's Mercy Hospital and Clinics
Classification: Likely benign. Last evaluated: 2016-09-13. Review status: criteria provided, single submitter. Criteria: ACMG Guidelines, 2015. Collection method: clinical testing. Allele origin: germline.
ClinVar note: Converted during submission from Likely Benign to Likely benign.

Eurofins Ntd Llc (ga)
Classification: Benign. Last evaluated: 2015-03-13. Review status: criteria provided, single submitter. Criteria: EGL Classification Definitions 2015. Collection method: clinical testing. Allele origin: germline. Observed: 1 variant allele, 1 heterozygote.

PreventionGenetics, part of Exact Sciences
Classification: Benign for GLI2-related condition. Last evaluated: 2019-05-07. Review status: no assertion criteria provided. Collection method: clinical testing. Allele origin: germline. Not counted in ClinVar's aggregate classification.
Comment: This variant is classified as benign based on ACMG/AMP sequence variant interpretation guidelines (Richards et al. 2015 PMID: 25741868, with internal and published modifications).

NM_001374353.1(GLI2):c.3539G>A (p.Gly1180Asp)

Gene: GLI2 (GLI family zinc finger 2; plus strand). Cytogenetic location: 2q14.2.
Variant type: single nucleotide variant.
Coding change: c.3539G>A on transcript NM_001374353.1 (MANE Select); coding-DNA position 3539, G replaced by A.
Protein change: p.Gly1180Asp; replaces glycine 1180 with aspartic acid.
Molecular consequence: missense variant.
Genome position (GRCh38, 1-based): chr2:120,989,504, G>A. VCF-style: chr2-120989504-G-A. GRCh37 (hg19) VCF-style: chr2-121747080-G-A.
Other names: c.3590G>A, p.Gly1197Asp (NM_001371271.1, NM_005270.5); c.3164G>A, p.Gly1055Asp (NM_001374354.1); short protein forms G1197D, G1055D, G1180D.
Identifiers: ClinVar variation 194223 (VCV000194223.36), dbSNP rs114823319, ClinGen allele CA201041.